The following is an entry in ClinVar:

NM_000092.5(COL4A4):c.1441G>T (p.Gly481Cys)

Gene: COL4A4 (collagen type IV alpha 4 chain; minus strand). Cytogenetic location: 2q36.3.
Variant type: single nucleotide variant.
Coding change: c.1441G>T on transcript NM_000092.5 (MANE Select); coding-DNA position 1441, G replaced by T.
Protein change: p.Gly481Cys; replaces glycine 481 with cysteine.
Molecular consequence: missense variant.
Genome position (GRCh38, 1-based): chr2:227,089,886, C>A on the plus strand (G>T on the coding strand, the complement: COL4A4 is on the minus strand). VCF-style: chr2-227089886-C-A. GRCh37 (hg19) VCF-style: chr2-227954602-C-A.
Other names: p.(Gly481Cys); short protein forms G481C.
Identifiers: ClinVar variation 4884687 (VCV004884687.1).

ClinVar aggregate classification (germline): Likely pathogenic (1 of 4 stars; one submission).

Conditions:
Autosomal dominant Alport syndrome (ATS3A). Also called: Alport syndrome dominant type; Renal failure and sensorineural hearing loss; ALPORT SYNDROME 3A, AUTOSOMAL DOMINANT. Identifiers: Orphanet 63, Orphanet 88918, MedGen C5882663, MONDO:0007086, OMIM 104200.

Submission:

Centre de Génétique Humaine, Institut de Pathologie Et de Génétique
Classification: Likely pathogenic for Autosomal dominant Alport syndrome. Last evaluated: 2026-04-30. Review status: criteria provided, single submitter. Criteria: ACMG Guidelines, 2015. Collection method: clinical testing. Allele origin: germline. Inheritance: Autosomal dominant inheritance. Affected: yes. Observed: 1 variant allele, 1 heterozygote. Segregation with disease not observed.
Comment: This missense variant involves a highly conserved glycine located in a ‘Gly-X-Y’ motif in collagenous region, which is characteristic of the pathogenic variants identified in the COL4A4 gene (PM1,PP2). This variant is rare: absent in gnomAD v4.1.0 database (PM2). Another missense variant affecting the same residue described as disease causing: c.1441G>A, p.Gly481Ser, PMID: 15618242 (PM5). In silico analysis supports that this missense variant has a deleterious effect (PP3).